The following is an entry in ClinVar:

NM_003647.3(DGKE):c.583A>G (p.Ile195Val)

Gene: DGKE (diacylglycerol kinase epsilon; plus strand). Cytogenetic location: 17q22.
Variant type: single nucleotide variant.
Coding change: c.583A>G on transcript NM_003647.3 (MANE Select); coding-DNA position 583, A replaced by G.
Protein change: p.Ile195Val; replaces isoleucine 195 with valine.
Molecular consequence: missense variant.
Genome position (GRCh38, 1-based): chr17:56,844,137, A>G. VCF-style: chr17-56844137-A-G. GRCh37 (hg19) VCF-style: chr17-54921498-A-G.
Other names: p.Ile195Val; short protein forms I195V.
Identifiers: ClinVar variation 3380504 (VCV003380504.1).

ClinVar aggregate classification (germline): Uncertain significance (1 of 4 stars; one submission).

gnomAD v4.1: 8 of 1,567,354 alleles (0.00051%); highest among the groups gnomAD compares: Non-Finnish European, 0.0006%; no homozygotes.

Submission:

Mayo Clinic Laboratories, Mayo Clinic
Classification: Uncertain significance. Last evaluated: 2023-11-07. Review status: criteria provided, single submitter. Criteria: ACMG Guidelines, 2015. Collection method: clinical testing. Allele origin: germline. Observed: 1 variant allele.
Comment: BP4, PM2